The following is an entry in ClinVar:

NM_001388492.1(HTT):c.8151T>A (p.Phe2717Leu)

Gene: HTT (huntingtin; plus strand). Cytogenetic location: 4p16.3.
Variant type: single nucleotide variant.
Coding change: c.8151T>A on transcript NM_001388492.1 (MANE Select); coding-DNA position 8151, T replaced by A.
Protein change: p.Phe2717Leu; replaces phenylalanine 2717 with leucine.
Molecular consequence: missense variant.
Genome position (GRCh38, 1-based): chr4:3,229,928, T>A. VCF-style: chr4-3229928-T-A. GRCh37 (hg19) VCF-style: chr4-3231655-T-A.
Other names: c.8157T>A, p.Phe2719Leu (NM_002111.8); short protein forms F2719L, F2717L.
Identifiers: ClinVar variation 225542 (VCV000225542.1), dbSNP rs1085307052, ClinGen allele CA356100033.

ClinVar aggregate classification (germline): Uncertain significance (1 of 4 stars; one submission).

Submission:

GeneDx
Classification: Uncertain significance. Last evaluated: 2016-04-18. Review status: criteria provided, single submitter. Criteria: GeneDx Variant Classification (06012015). Collection method: clinical testing. Allele origin: germline. Affected: yes.
Comment: No missense mutations in the HTT gene have been previously reported to our knowledge in association with Huntington disease. This variant is a conservative substitution of one neutral and non-polar amino acid for another, at a residue that is highly conserved across species. In silico analysis predicts this variant is probably damaging to the protein structure/function. The F2717L variant was not observed in approximately 6,000 individuals of European and African American ancestry by the NHLBI Exome Sequencing Project, indicating it is not a common benign variant in these populations. Data from ethnically matched controls individuals were not available. We interpret F2717L as a variant of unknown significance.